The following is an entry in ClinVar:

ClinVar aggregate classification (germline): Likely benign. Review status: criteria provided, multiple submitters, no conflicts (2 of 4 stars). 5 submissions from 5 submitters: Likely benign (5). Last evaluated 2026-09-01.

Conditions:
Early-infantile DEE. Also called: Early infantile epileptic encephalopathy; Ohtahara syndrome; Early infantile epileptic encephalopathy with suppression bursts. Identifiers: Orphanet 1934, MedGen C0393706, MONDO:0800491.

Allele frequency attached by ClinVar (database versions not stated): ExAC 0.00002; gnomAD exomes 0.00002 and 0.00006; gnomAD 0.00005; TOPMed 0.00008; 1000 Genomes Project 30x 0.00016; 1000 Genomes Project 0.00020.
gnomAD v4.1: 40 of 1,614,008 alleles (0.0025%); highest among the groups gnomAD compares: Admixed American, 0.03%; no homozygotes.

Submissions (5):

CeGaT Center for Human Genetics Tuebingen
Classification: Likely benign. Last evaluated: 2026-09-01. Review status: criteria provided, single submitter. Criteria: CeGaT Center For Human Genetics Tuebingen Variant Classification Criteria Version 2. Collection method: clinical testing. Allele origin: germline. Affected: yes. Observed: 3 variant alleles.
Comment: SCN8A: BP4, BP7

Women's Health and Genetics/Laboratory Corporation of America, LabCorp
Classification: Likely benign. Last evaluated: 2026-04-29. Review status: criteria provided, single submitter. Criteria: LabCorp Variant Classification Summary - May 2015. Collection method: clinical testing. Allele origin: germline.

Labcorp Genetics (formerly Invitae), Labcorp
Classification: Likely benign for Early-infantile DEE. Last evaluated: 2026-01-28. Review status: criteria provided, single submitter. Criteria: Invitae Variant Classification Sherloc (09022015). Collection method: clinical testing. Allele origin: germline.

Blueprint Genetics
Classification: Likely benign. Last evaluated: 2023-11-17. Review status: criteria provided, single submitter. Criteria: ACMG Guidelines, 2015. Collection method: clinical testing. Allele origin: germline.

GeneDx
Classification: Likely benign. Last evaluated: 2020-10-02. Review status: criteria provided, single submitter. Criteria: GeneDx Variant Classification Process June 2021. Collection method: clinical testing. Allele origin: germline. Affected: yes.

NM_001330260.2(SCN8A):c.5490C>T (p.Ile1830=)

Gene: SCN8A (sodium voltage-gated channel alpha subunit 8; plus strand). Cytogenetic location: 12q13.13.
Variant type: single nucleotide variant.
Coding change: c.5490C>T on transcript NM_001330260.2 (MANE Select); coding-DNA position 5490, C replaced by T.
Protein change: p.Ile1830=; no amino-acid change (isoleucine 1830 retained).
Molecular consequence: synonymous variant.
Genome position (GRCh38, 1-based): chr12:51,806,976, C>T. VCF-style: chr12-51806976-C-T. GRCh37 (hg19) VCF-style: chr12-52200760-C-T.
Other names: c.5367C>T, p.Ile1789= (NM_001177984.3, NM_001369788.1); c.5490C>T, p.Ile1830= (NM_014191.4).
Identifiers: ClinVar variation 461347 (VCV000461347.22), dbSNP rs200546525, ClinGen allele CA6571924.
Genomic context (GRCh38, chr12:51,806,976, plus strand): 5'-CTTTGCAGATGCCTTGGAGCATCCTCTCCGAGTGCCCAAGCCCAATACCATTGAGCTCAT[C>T]GCTATGGATCTGCCAATGGTGAGCGGGGATCGCATCCACTGCTTGGACATCCTTTTTGCC-3'
Protein context (NP_001317189.1, residues 1820-1840): RVPKPNTIEL[Ile1830=]AMDLPMVSGD